The following is an entry in ClinVar:

ClinVar aggregate classification (germline): Uncertain significance (1 of 4 stars; one submission).

Conditions:
BAP1-related tumor predisposition syndrome (TPDS1). Also called: Tumor susceptibility linked to germline BAP1 mutations; BAP1 tumor predisposition syndrome; COMMON Syndrome; TUMOR PREDISPOSITION SYNDROME 1. Identifiers: Orphanet 289539, MedGen C3280492, MONDO:0013692, OMIM 614327.

Submission:

Labcorp Genetics (formerly Invitae), Labcorp
Classification: Uncertain significance for BAP1-related tumor predisposition syndrome. Last evaluated: 2024-12-25. Review status: criteria provided, single submitter. Criteria: Invitae Variant Classification Sherloc (09022015). Collection method: clinical testing. Allele origin: germline.
Comment: This sequence change falls in intron 1 of the BAP1 gene. It does not directly change the encoded amino acid sequence of the BAP1 protein. It affects a nucleotide within the consensus splice site. This variant is not present in population databases (gnomAD no frequency). This variant has not been reported in the literature in individuals affected with BAP1-related conditions. Variants that disrupt the consensus splice site are a relatively common cause of aberrant splicing (PMID: 17576681, 9536098). Algorithms developed to predict the effect of sequence changes on RNA splicing suggest that this variant may disrupt the consensus splice site. In summary, the available evidence is currently insufficient to determine the role of this variant in disease. Therefore, it has been classified as a Variant of Uncertain Significance.

Literature cited by the submitters: PubMed 17576681; PubMed 9536098.

NM_004656.4(BAP1):c.37+5G>T

Gene: BAP1 (BRCA1 associated deubiquitinase 1; minus strand). Cytogenetic location: 3p21.1.
Variant type: single nucleotide variant.
Coding change: c.37+5G>T on transcript NM_004656.4 (MANE Select); 5 bases into the intron after coding-DNA position 37, G replaced by T.
Molecular consequence: intron variant.
Genome position (GRCh38, 1-based): chr3:52,409,837, C>A on the plus strand (G>T on the coding strand, the complement: BAP1 is on the minus strand). VCF-style: chr3-52409837-C-A. GRCh37 (hg19) VCF-style: chr3-52443853-C-A.
Other names: c.37+5G>T (NM_001410772.1).
Identifiers: ClinVar variation 3728054 (VCV003728054.2).